The following is an entry in ClinVar:

ClinVar aggregate classification (germline): Pathogenic/Likely pathogenic. Review status: criteria provided, multiple submitters, no conflicts (2 of 4 stars). 12 submissions from 12 submitters: Pathogenic (10); Likely pathogenic (2). Last evaluated 2026-01-27.

Conditions:
Arthrogryposis multiplex congenita 6. Identifiers: MedGen C5543431, MONDO:0030281, OMIM 619334.
Nemaline myopathy. Also called: Myopathies, Nemaline. Identifiers: Orphanet 607, MedGen C0206157, MONDO:0018958.
Nemaline myopathy 2 (NEM2). Also called: Nemaline myopathy 2, autosomal recessive. Identifiers: MedGen C1850569, MONDO:0009725, OMIM 256030.

Submissions (12):

Labcorp Genetics (formerly Invitae), Labcorp
Classification: Pathogenic for Nemaline myopathy 2. Last evaluated: 2026-01-27. Review status: criteria provided, single submitter. Criteria: Invitae Variant Classification Sherloc (09022015). Collection method: clinical testing. Allele origin: germline.
Comment: This sequence change creates a premature translational stop signal (p.Glu8100Serfs*5) in the NEB gene. It is expected to result in an absent or disrupted protein product. Loss-of-function variants in NEB are known to be pathogenic (PMID: 25205138). This variant is not present in population databases (gnomAD no frequency). This premature translational stop signal has been observed in individuals with nemaline myopathy (PMID: 12207938, 19805734, 26403434). ClinVar contains an entry for this variant (Variation ID: 533994). For these reasons, this variant has been classified as Pathogenic.

Natera, Inc.
Classification: Pathogenic for Nemaline myopathy type 2. Last evaluated: 2025-12-10. Review status: criteria provided, single submitter. Criteria: Natera Variant Classification Schema (03/2026). Collection method: clinical testing. Allele origin: germline.
Comment: The c.24294_24297dupTCAA variant in NEB is a frameshift variant predicted to shift the reading frame beginning at codon 8100 and leads to a stop codon 5 codons downstream. This variant is expected to result in nonsense mediated decay, truncation, or a dysfunctional protein product. This variant is rare in the general population with a frequency below the threshold expected for the associated phenotype(s). This variant has been observed in one or more individuals affected with the associated recessive disease, as either homozygous or compound heterozygous with a second variant (PMID: 26841830). Given the available evidence, this variant is classified as Pathogenic.

Broad Center for Mendelian Genomics, Broad Institute of MIT and Harvard
Classification: Likely pathogenic for Nemaline myopathy. Last evaluated: 2025-02-26. Review status: criteria provided, single submitter. Criteria: ACMG Guidelines, 2015. Collection method: curation. Allele origin: germline. Inheritance: Autosomal recessive inheritance.
Comment: The p.Glu8065SerfsTer5 variant in NEB has been reported in at least four individuals with nemaline myopathy (PMID: 12207938, 33084218, 36233295), and has been identified in 0.006% (3/50984) of Latino/Admixed American chromosomes by the Genome Aggregation Database (gnomAD; dbSNP ID: rs1553555882). Although this variant has been seen in the general population in a heterozygous state, its frequency is low enough to be consistent with a recessive carrier frequency. This variant has also been reported in ClinVar (Variation ID: 533994) and has been interpreted as pathogenic by multiple submitters. Of the 4 affected individuals, 3 were compound heterozygotes that carried a reported pathogenic/likely pathogenic variant in trans or with unknown phase, which increases the likelihood that the p.Glu8065SerfsTer5variant is pathogenic (Variation ID: 1213189; PMID: 25205138, 35175440). This variant is predicted to cause a frameshift, which alters the protein‚Äôs amino acid sequence beginning at position 8065 and leads to a premature termination codon 5 amino acids downstream. This alteration is then predicted to lead to a truncated or absent protein. Computational tools predict a splicing impact, though this information is not predictive enough to determine/rule out pathogenicity. This variant is in an in-frame exon and is more likely to escape nonsense mediated decay (NMD) and result in a truncated protein. Loss of function of the NEB gene is an established disease mechanism in autosomal recessive nemaline myopathy. In summary, although additional studies are required to fully establish its clinical significance, this variant is likely pathogenic for autosomal recessive nemaline myopathy. ACMG/AMP Criteria applied: PVS1_strong, PM3, PM2_supporting (Richards 2015).

Muscle and Diseases Team, Institut de Génétique et Biologie Moléculaire et Cellulaire
Classification: Pathogenic for Nemaline myopathy 2. Last evaluated: 2024-03-01. Review status: criteria provided, single submitter. Criteria: ACMG Guidelines, 2015. Collection method: research. Allele origin: germline. Affected: yes. Observed: 4 variant alleles.
Comment: PVS1+PP1_Strong+PM2

Baylor Genetics
Classification: Pathogenic for Arthrogryposis multiplex congenita 6. Last evaluated: 2024-02-05. Review status: criteria provided, single submitter. Criteria: ACMG Guidelines, 2015. Collection method: clinical testing. Allele origin: unknown.

Laboratory of Medical Genetics, National & Kapodistrian University of Athens
Classification: Likely pathogenic for Nemaline myopathy 2. Last evaluated: 2024-02-01. Review status: criteria provided, single submitter. Criteria: ACMG Guidelines, 2015. Collection method: curation. Allele origin: germline. Affected: no.

Kariminejad - Najmabadi Pathology & Genetics Center
Classification: Pathogenic for Nemaline myopathy 2. Last evaluated: 2023-12-06. Review status: criteria provided, single submitter. Criteria: ACMG Guidelines, 2015. Collection method: clinical testing. Allele origin: germline. Inheritance: Autosomal recessive inheritance. Affected: yes.
Comment: PVS1,PP5,PM2

Mendelics
Classification: Pathogenic for Nemaline myopathy 2. Last evaluated: 2022-05-04. Review status: criteria provided, single submitter. Criteria: Mendelics Assertion Criteria 2019. Collection method: clinical testing. Allele origin: germline.

GeneDx
Classification: Pathogenic. Last evaluated: 2022-03-10. Review status: criteria provided, single submitter. Criteria: GeneDx Variant Classification Process June 2021. Collection method: clinical testing. Allele origin: germline. Affected: yes.
Comment: Reported in individuals with core-rod myopathy who also harbored a second NEB variant (Lehtokari et al., 2014; Malfatti et al., 2015); Frameshift variant predicted to result in protein truncation or nonsense mediated decay in a gene for which loss-of-function is a known mechanism of disease; Not observed at significant frequency in large population cohorts (gnomAD); This variant is associated with the following publications: (PMID: 33084218, 12207938, 26841830, 19805734, 25205138, 16917880, 26403434)

Laboratorio de Genetica e Diagnostico Molecular, Hospital Israelita Albert Einstein
Classification: Pathogenic. Last evaluated: 2020-08-20. Review status: criteria provided, single submitter. Criteria: ACMG Guidelines, 2015. Collection method: clinical testing. Allele origin: germline. Affected: yes.
Comment: ACMG classification criteria: PVS1, PS4, PM2, PM3

Women's Health and Genetics/Laboratory Corporation of America, LabCorp
Classification: Pathogenic for Nemaline myopathy. Last evaluated: 2019-11-14. Review status: criteria provided, single submitter. Criteria: LabCorp Variant Classification Summary - May 2015. Collection method: clinical testing. Allele origin: germline.
Comment: Variant summary: NEB c.24294_24297dupTCAA (p.Glu8100SerfsX5) results in a premature termination codon, predicted to cause a truncation of the encoded protein or absence of the protein due to nonsense mediated decay, which are commonly known mechanisms for disease. Truncations downstream of this position have been classified as pathogenic by our laboratory. The variant was absent in 157122 control chromosomes (gnomAD). c.24294_24297dupTCAA has been reported in the literature in multiple compound heterozygote and homozygote individuals affected with Nemaline Myopathy 2 (Lehtokari_2014, Oliveira_2016, Pelin_2002). These data indicate that the variant is very likely to be associated with disease. To our knowledge, no experimental evidence demonstrating an impact on protein function has been reported. A ClinVar submission (evaluation after 2014) cites the variant as pathogenic. Based on the evidence outlined above, the variant was classified as pathogenic.

Consultorio y Laboratorio de Neurogenética, Hospital JM Ramos Mejia
Classification: Pathogenic for Nemaline myopathy 2. Review status: criteria provided, single submitter. Criteria: CÃ³rdoba et al. (PLoS One. 2018). Collection method: clinical testing. Allele origin: unknown. Inheritance: Autosomal recessive inheritance. Affected: yes. Observed: 1 compound heterozygote.

Literature cited by the submitters: PubMed 25205138 (cited by 3 submitters); PubMed 12207938 (cited by Labcorp Genetics (formerly Invitae), Labcorp and Women's Health and Genetics/Laboratory Corporation of America, LabCorp); PubMed 19805734 (cited by Labcorp Genetics (formerly Invitae), Labcorp); PubMed 26403434 (cited by Labcorp Genetics (formerly Invitae), Labcorp and Women's Health and Genetics/Laboratory Corporation of America, LabCorp); PubMed 26841830 (cited by Natera, Inc. and Women's Health and Genetics/Laboratory Corporation of America, LabCorp); DOI 10.1186/s13073-024-01353-0 (cited by Muscle and Diseases Team, Institut de Génétique et Biologie Moléculaire et Cellulaire); PubMed 16917880 (cited by Women's Health and Genetics/Laboratory Corporation of America, LabCorp).

NM_001164508.2(NEB):c.24189_24192dup (p.Glu8065fs)

Genes: NEB (nebulin; minus strand), RIF1 (replication timing regulatory factor 1; plus strand). Cytogenetic location: 2q23.3.
Variant type: Duplication.
Coding change: c.24189_24192dup on transcript NM_001164508.2 (MANE Select); coding-DNA positions 24189 to 24192, 4 bases duplicated (TCAA; older notation c.24189_24192dupTCAA).
Protein change: p.Glu8065fs; shifts the reading frame from glutamic acid 8065.
Molecular consequence: frameshift variant. On other transcripts: intron variant (1).
Genome position (GRCh38, 1-based): chr2:151,498,275-151,498,278, TTGA duplicated on the plus strand (TCAA on the coding strand, the reverse complement: NEB is on the minus strand); duplicating any 4 consecutive bases within chr2:151,498,275-151,498,281 gives the same sequence; the c. name uses the placement nearest the transcript's 3' end. VCF-style (leftmost placement, unchanged base first): chr2-151498274-C-CTTGA. GRCh37 (hg19) VCF-style: chr2-152354788-C-CTTGA.
Other names: NM_001164508.2(NEB):c.24189_24192dup; p.Glu8065fs; c.24192_24193insTCAA (NM_001164508.1, NM_001164507.2); c.24294_24297dupTCAA (NM_001271208.1); c.24189_24192dup, p.Glu8065fs (NM_001164507.2); c.24294_24297dup, p.Glu8100fs (NM_001271208.2); c.18826-1910_18826-1907dup (NM_004543.5); short protein forms E8100fs, E8065fs.
Identifiers: ClinVar variation 533994 (VCV000533994.22), dbSNP rs1553555882, ClinGen allele CA658795874.